The following is an entry in ClinVar:

ClinVar aggregate classification (germline): Pathogenic (1 of 4 stars; one submission).

Conditions:
Hereditary cancer-predisposing syndrome. Also called: Hereditary Cancer Syndrome; Neoplastic Syndromes, Hereditary; Hereditary neoplastic syndrome; Tumor predisposition. Identifiers: Orphanet 140162, MedGen C0027672, MeSH D009386, MONDO:0015356.

Submission:

Ambry Genetics
Classification: Pathogenic for Hereditary cancer-predisposing syndrome. Last evaluated: 2015-03-23. Review status: criteria provided, single submitter. Criteria: Ambry Autosomal Dominant and X-Linked criteria (10/2015). Collection method: clinical testing. Allele origin: germline. Observed: 1 variant allele.
Comment: The c.367delG variant, located in coding exon 4 of the BMPR1A gene, results from a deletion of one nucleotide at nucleotide position 367, causing a translational frameshift with a predicted alternate stop codon. Since frameshifts are typically deleterious in nature, this alteration is interpreted as a disease-causing mutation (ACMG Recommendations for Standards for Interpretation and Reporting of Sequence Variations. Revision 2007. Genet Med. 2008;10:294).

NM_004329.3(BMPR1A):c.367del (p.Glu123fs)

Gene: BMPR1A (bone morphogenetic protein receptor type 1A; plus strand). Cytogenetic location: 10q23.2.
Variant type: Deletion.
Coding change: c.367del on transcript NM_004329.3 (MANE Select); coding-DNA position 367, one base deleted (G; older notation c.367delG).
Protein change: p.Glu123fs; shifts the reading frame from glutamic acid 123.
Molecular consequence: frameshift variant.
Genome position (GRCh38, 1-based): chr10:86,899,827, G deleted. VCF-style (leftmost placement, unchanged base first): chr10-86899826-AG-A. GRCh37 (hg19) VCF-style: chr10-88659583-AG-A.
Other names: c.367delG (NM_004329.2); short protein forms E123fs.
Identifiers: ClinVar variation 429093 (VCV000429093.3), dbSNP rs1131691173, ClinGen allele CA645369423.